The following is an entry in ClinVar:

NM_005612.5(REST):c.2753A>G (p.His918Arg)

Gene: REST (RE1 silencing transcription factor; plus strand). Cytogenetic location: 4q12.
Variant type: single nucleotide variant.
Coding change: c.2753A>G on transcript NM_005612.5 (MANE Select); coding-DNA position 2753, A replaced by G.
Protein change: p.His918Arg; replaces histidine 918 with arginine.
Molecular consequence: missense variant.
Genome position (GRCh38, 1-based): chr4:56,931,611, A>G. VCF-style: chr4-56931611-A-G. GRCh37 (hg19) VCF-style: chr4-57797777-A-G.
Other names: c.2753A>G, p.His918Arg (NM_001193508.2, NM_001363453.3); short protein forms H918R.
Identifiers: ClinVar variation 1931844 (VCV001931844.6), dbSNP rs374825536, ClinGen allele CA2932549.

ClinVar aggregate classification (germline): Uncertain significance. Review status: criteria provided, multiple submitters, no conflicts (2 of 4 stars). 2 submissions from 2 submitters: Uncertain significance (2). Last evaluated 2024-01-03.

Conditions:
Wilms tumor 6 (WT6). Also called: WILMS TUMOR 6, SUSCEPTIBILITY TO. Identifiers: Orphanet 654, MedGen C3891301, MONDO:0014779, OMIM 616806.
Autosomal dominant nonsyndromic hearing loss 27. Also called: Deafness, autosomal dominant 27. Identifiers: Orphanet 90635, MedGen C3887929, MONDO:0012902, OMIM 612431.
Fibromatosis, gingival, 5. Also called: FIBROMATOSIS, GINGIVAL, HEREDITARY, 5. Identifiers: MedGen C4539942, MONDO:0033493, OMIM 617626.

Allele frequency attached by ClinVar (database versions not stated): gnomAD exomes below 0.00001; TOPMed below 0.00001; ExAC 0.00001; ESP Exome Variant Server 0.00008.
gnomAD v4.1: 4 of 1,614,258 alleles (0.00025%); highest among the groups gnomAD compares: Non-Finnish European, 0.00034%; no homozygotes.

Submissions (2):

Fulgent Genetics
Classification: Uncertain significance for Autosomal dominant nonsyndromic hearing loss 27; Wilms tumor 6; Fibromatosis, gingival, 5. Last evaluated: 2024-01-03. Review status: criteria provided, single submitter. Criteria: ACMG Guidelines, 2015. Collection method: clinical testing. Allele origin: germline.

Labcorp Genetics (formerly Invitae), Labcorp
Classification: Uncertain significance. Last evaluated: 2022-03-01. Review status: criteria provided, single submitter. Criteria: Invitae Variant Classification Sherloc (09022015). Collection method: clinical testing. Allele origin: germline.
Comment: In summary, the available evidence is currently insufficient to determine the role of this variant in disease. Therefore, it has been classified as a Variant of Uncertain Significance. Algorithms developed to predict the effect of missense changes on protein structure and function (SIFT, PolyPhen-2, Align-GVGD) all suggest that this variant is likely to be tolerated. This variant has not been reported in the literature in individuals affected with REST-related conditions. This variant is present in population databases (rs374825536, gnomAD 0.0009%). This sequence change replaces histidine, which is basic and polar, with arginine, which is basic and polar, at codon 918 of the REST protein (p.His918Arg).